The following is an entry in ClinVar:

ClinVar aggregate classification (germline): Uncertain significance (1 of 4 stars; one submission).

Conditions:
Progressive familial heart block type IB (PFHB1B). Identifiers: Orphanet 871, MedGen C1970298, MONDO:0011474, OMIM 604559.

gnomAD v4.1: 2 of 1,613,888 alleles (0.00012%); highest among the groups gnomAD compares: African/African-American, 0.0013%; no homozygotes.

Submission:

Labcorp Genetics (formerly Invitae), Labcorp
Classification: Uncertain significance for Progressive familial heart block type IB. Last evaluated: 2025-10-17. Review status: criteria provided, single submitter. Criteria: Invitae Variant Classification Sherloc (09022015). Collection method: clinical testing. Allele origin: germline.
Comment: This sequence change replaces valine, which is neutral and non-polar, with leucine, which is neutral and non-polar, at codon 939 of the TRPM4 protein (p.Val939Leu). This variant is not present in population databases (gnomAD no frequency). This variant has not been reported in the literature in individuals affected with TRPM4-related conditions. An algorithm developed to predict the effect of missense changes on protein structure and function (PolyPhen-2) suggests that this variant is likely to be disruptive. In summary, the available evidence is currently insufficient to determine the role of this variant in disease. Therefore, it has been classified as a Variant of Uncertain Significance.

NM_017636.4(TRPM4):c.2815G>C (p.Val939Leu)

Gene: TRPM4 (transient receptor potential cation channel subfamily M member 4; plus strand). Cytogenetic location: 19q13.33.
Variant type: single nucleotide variant.
Coding change: c.2815G>C on transcript NM_017636.4 (MANE Select); coding-DNA position 2815, G replaced by C.
Protein change: p.Val939Leu; replaces valine 939 with leucine.
Molecular consequence: missense variant.
Genome position (GRCh38, 1-based): chr19:49,200,647, G>C. VCF-style: chr19-49200647-G-C. GRCh37 (hg19) VCF-style: chr19-49703904-G-C.
Other names: c.2380G>C, p.Val794Leu (NM_001195227.2); c.2470G>C, p.Val824Leu (NM_001321281.2); c.1207G>C, p.Val403Leu (NM_001321282.2); c.2293G>C, p.Val765Leu (NM_001321283.2); c.1753G>C, p.Val585Leu (NM_001321285.2); short protein forms V403L, V939L, V765L, V794L, V824L, V585L.
Identifiers: ClinVar variation 4729650 (VCV004729650.1).